The following is an entry in ClinVar:

NM_006268.5(DPF2):c.32+4A>C

Gene: DPF2 (double PHD fingers 2; plus strand). Cytogenetic location: 11q13.1.
Variant type: single nucleotide variant.
Coding change: c.32+4A>C on transcript NM_006268.5 (MANE Select); 4 bases into the intron after coding-DNA position 32, A replaced by C.
Molecular consequence: intron variant.
Genome position (GRCh38, 1-based): chr11:65,333,922, A>C. VCF-style: chr11-65333922-A-C. GRCh37 (hg19) VCF-style: chr11-65101393-A-C.
Other names: c.32+4A>C (NM_001330308.2).
Identifiers: ClinVar variation 4995727 (VCV004995727.1).

ClinVar aggregate classification (germline): Uncertain significance (1 of 4 stars; one submission).

Conditions:
DPF2-related disorder. Also called: DPF2-related condition.

Submission:

PreventionGenetics, part of Exact Sciences
Classification: Uncertain significance for DPF2-related condition. Last evaluated: 2025-12-01. Review status: criteria provided, single submitter. Criteria: ACMG Guidelines, 2015. Collection method: clinical testing. Allele origin: germline.
Comment: The DPF2 c.32+4A>C variant is predicted to interfere with splicing. To our knowledge, this variant has not been reported in the literature or in a large population database (gnomAD), indicating this variant is rare. At this time, the clinical significance of this variant is uncertain due to the absence of conclusive functional and genetic evidence.